The following is an entry in ClinVar:

NM_002746.3(MAPK3):c.126C>A (p.Tyr42Ter)

Gene: MAPK3 (mitogen-activated protein kinase 3; minus strand). Cytogenetic location: 16p11.2.
Variant type: single nucleotide variant.
Coding change: c.126C>A on transcript NM_002746.3 (MANE Select); coding-DNA position 126, C replaced by A.
Protein change: p.Tyr42Ter; replaces tyrosine 42 with a stop codon.
Molecular consequence: nonsense.
Genome position (GRCh38, 1-based): chr16:30,123,084, G>T on the plus strand (C>A on the coding strand, the complement: MAPK3 is on the minus strand). VCF-style: chr16-30123084-G-T. GRCh37 (hg19) VCF-style: chr16-30134405-G-T.
Other names: c.126C>A, p.Tyr42Ter (NM_001040056.3, NM_001109891.2); short protein forms Y42*.
Identifiers: ClinVar variation 2630365 (VCV002630365.1), dbSNP rs1197559363, ClinGen allele CA395491404.

ClinVar aggregate classification (germline): Uncertain significance (1 of 4 stars; one submission).

Conditions:
MAPK3-related disorder. Also called: MAPK3-related condition.

Submission:

PreventionGenetics, part of Exact Sciences
Classification: Uncertain significance for MAPK3-related condition. Last evaluated: 2023-03-29. Review status: criteria provided, single submitter. Criteria: ACMG Guidelines, 2015. Collection method: clinical testing. Allele origin: germline.
Comment: The MAPK3 c.126C>A variant is predicted to result in premature protein termination (p.Tyr42*). To our knowledge, this variant has not been reported in the literature or in a large population database, indicating this variant is rare. At this time, the clinical significance of this variant is uncertain due to the absence of conclusive functional and genetic evidence.